The following is an entry in ClinVar:

ClinVar aggregate classification (germline): Uncertain significance. Review status: criteria provided, multiple submitters, no conflicts (2 of 4 stars). 2 submissions from 2 submitters: Uncertain significance (2). Last evaluated 2025-04-19.

Conditions:
Hereditary cancer-predisposing syndrome. Also called: Hereditary neoplastic syndrome; Tumor predisposition; Neoplastic Syndromes, Hereditary; Hereditary Cancer Syndrome. Identifiers: Orphanet 140162, MedGen C0027672, MeSH D009386, MONDO:0015356.
EGFR-related lung cancer (EGFR). Identifiers: MedGen CN130014.

Submissions (2):

Ambry Genetics
Classification: Uncertain significance for Hereditary cancer-predisposing syndrome. Last evaluated: 2025-04-19. Review status: criteria provided, single submitter. Criteria: Ambry Variant Classification Scheme 2023. Collection method: clinical testing. Allele origin: germline.
Comment: The p.E634A variant (also known as c.1901A>C), located in coding exon 16 of the EGFR gene, results from an A to C substitution at nucleotide position 1901. The glutamic acid at codon 634 is replaced by alanine, an amino acid with dissimilar properties. This amino acid position is conserved. In addition, this alteration is predicted to be tolerated by in silico analysis. Based on the available evidence, the clinical significance of this variant remains unclear.

Labcorp Genetics (formerly Invitae), Labcorp
Classification: Uncertain significance for EGFR-related lung cancer. Last evaluated: 2023-01-19. Review status: criteria provided, single submitter. Criteria: Invitae Variant Classification Sherloc (09022015). Collection method: clinical testing. Allele origin: germline.
Comment: This variant is not present in population databases (gnomAD no frequency). In summary, the available evidence is currently insufficient to determine the role of this variant in disease. Therefore, it has been classified as a Variant of Uncertain Significance. Advanced modeling of protein sequence and biophysical properties (such as structural, functional, and spatial information, amino acid conservation, physicochemical variation, residue mobility, and thermodynamic stability) performed at Invitae indicates that this missense variant is not expected to disrupt EGFR protein function. ClinVar contains an entry for this variant (Variation ID: 1502254). This variant has not been reported in the literature in individuals affected with EGFR-related conditions. This sequence change replaces glutamic acid, which is acidic and polar, with alanine, which is neutral and non-polar, at codon 634 of the EGFR protein (p.Glu634Ala).

NM_005228.5(EGFR):c.1901A>C (p.Glu634Ala)

Gene: EGFR (epidermal growth factor receptor; plus strand). Cytogenetic location: 7p11.2.
Variant type: single nucleotide variant.
Coding change: c.1901A>C on transcript NM_005228.5 (MANE Select); coding-DNA position 1901, A replaced by C.
Protein change: p.Glu634Ala; replaces glutamic acid 634 with alanine.
Molecular consequence: missense variant.
Genome position (GRCh38, 1-based): chr7:55,171,195, A>C. VCF-style: chr7-55171195-A-C. GRCh37 (hg19) VCF-style: chr7-55238888-A-C.
Other names: c.1901A>C (NM_005228.3); c.1766A>C, p.Glu589Ala (NM_001346897.2, NM_001346899.2); c.1901A>C, p.Glu634Ala (NM_001346898.2); c.1742A>C, p.Glu581Ala (NM_001346900.2); c.1100A>C, p.Glu367Ala (NM_001346941.2); short protein forms E589A, E367A, E581A, E634A.
Identifiers: ClinVar variation 1502254 (VCV001502254.9), dbSNP rs2128951381, ClinGen allele CA367582279.